The following is an entry in ClinVar:

ClinVar aggregate classification (germline): Uncertain significance (1 of 4 stars; one submission).

Submission:

GeneDx
Classification: Uncertain significance. Last evaluated: 2026-03-30. Review status: criteria provided, single submitter. Criteria: GeneDx Variant Classification Process June 2021. Collection method: clinical testing. Allele origin: germline.
Comment: Not observed at significant frequency in large population cohorts (gnomAD); In silico analysis suggests that this missense variant does not alter protein structure/function; Has not been previously published as pathogenic or benign to our knowledge

NM_000875.5(IGF1R):c.165C>G (p.Ile55Met)

Gene: IGF1R (insulin like growth factor 1 receptor; plus strand). Cytogenetic location: 15q26.3.
Variant type: single nucleotide variant.
Coding change: c.165C>G on transcript NM_000875.5 (MANE Select); coding-DNA position 165, C replaced by G.
Protein change: p.Ile55Met; replaces isoleucine 55 with methionine.
Molecular consequence: missense variant.
Genome position (GRCh38, 1-based): chr15:98,707,632, C>G. VCF-style: chr15-98707632-C-G. GRCh37 (hg19) VCF-style: chr15-99250861-C-G.
Other names: c.165C>G, p.Ile55Met (NM_001291858.2); short protein forms I55M.
Identifiers: ClinVar variation 5017503 (VCV005017503.1).